The following is an entry in ClinVar:

NM_177972.3(TUB):c.1336C>T (p.Arg446Cys)

Genes: RIC3 (RIC3 acetylcholine receptor chaperone; minus strand), TUB (TUB bipartite transcription factor; plus strand). Cytogenetic location: 11p15.4.
Variant type: single nucleotide variant.
Coding change: c.1336C>T on transcript NM_177972.3 (MANE Select); coding-DNA position 1336, C replaced by T.
Protein change: p.Arg446Cys; replaces arginine 446 with cysteine.
Molecular consequence: missense variant.
Genome position (GRCh38, 1-based): chr11:8,100,946, C>T. VCF-style: chr11-8100946-C-T. GRCh37 (hg19) VCF-style: chr11-8122493-C-T.
Other names: c.1501C>T, p.Arg501Cys (NM_003320.5); c.1501C>T (NM_003320.4); short protein forms R446C, R501C.
Identifiers: ClinVar variation 1929425 (VCV001929425.7), dbSNP rs969008528, ClinGen allele CA217429949.
Genomic context (GRCh38, chr11:8,100,946, plus strand): 5'-CAAAACAAGACACCTGTCTGGAATGATGACACACAGTCCTATGTACTCAACTTCCATGGG[C>T]GCGTCACACAGGCCTCCGTGAAGAACTTCCAGATCATCCATGGCAATGACCGTGAGTGTT-3'
Protein context (NP_813977.1, residues 436-456): TQSYVLNFHG[Arg446Cys]VTQASVKNFQ

ClinVar aggregate classification (germline): Uncertain significance. Review status: criteria provided, multiple submitters, no conflicts (2 of 4 stars). 3 submissions from 3 submitters: Uncertain significance (2). 1 of the submissions does not count toward it. Last evaluated 2024-11-11.

Conditions:
TUB-related disorder. Also called: TUB-related condition.

Allele frequency attached by ClinVar (database versions not stated): gnomAD exomes below 0.00001; TOPMed below 0.00001; gnomAD 0.00001.
gnomAD v4.1: 6 of 1,613,992 alleles (0.00037%); highest among the groups gnomAD compares: South Asian, 0.0022%; no homozygotes.

Submissions (3):

Labcorp Genetics (formerly Invitae), Labcorp
Classification: Uncertain significance. Last evaluated: 2024-11-11. Review status: criteria provided, single submitter. Criteria: Invitae Variant Classification Sherloc (09022015). Collection method: clinical testing. Allele origin: germline.
Comment: This sequence change replaces arginine, which is basic and polar, with cysteine, which is neutral and slightly polar, at codon 501 of the TUB protein (p.Arg501Cys). This variant is not present in population databases (gnomAD no frequency). This missense change has been observed in individual(s) with inherited retinal dystrophy (PMID: 32037395). ClinVar contains an entry for this variant (Variation ID: 1929425). An algorithm developed to predict the effect of missense changes on protein structure and function (PolyPhen-2) suggests that this variant is likely to be disruptive. In summary, the available evidence is currently insufficient to determine the role of this variant in disease. Therefore, it has been classified as a Variant of Uncertain Significance.

Blueprint Genetics
Classification: Uncertain significance. Last evaluated: 2022-08-31. Review status: criteria provided, single submitter. Criteria: ACMG Guidelines, 2015. Collection method: clinical testing. Allele origin: germline.

PreventionGenetics, part of Exact Sciences
Classification: Uncertain significance for TUB-related condition. Last evaluated: 2024-08-16. Review status: no assertion criteria provided. Collection method: clinical testing. Allele origin: germline. Not counted in ClinVar's aggregate classification.
Comment: The TUB c.1501C>T variant is predicted to result in the amino acid substitution p.Arg501Cys. This variant was reported in homozygous state in an individual with Retinal degeneration (Table S2, Zampaglione et al 2020. PubMed ID: 32037395). This variant has not been reported in a large population database, indicating this variant is rare. At this time, the clinical significance of this variant is uncertain due to the absence of conclusive functional and genetic evidence.

Literature cited by the submitters: PubMed 32037395 (cited by Labcorp Genetics (formerly Invitae), Labcorp).